The following is an entry in ClinVar:

NM_003072.5(SMARCA4):c.1214A>G (p.Lys405Arg)

Gene: SMARCA4 (SWI/SNF related BAF chromatin remodeling complex subunit ATPase 4; plus strand). Cytogenetic location: 19p13.2.
Variant type: single nucleotide variant.
Coding change: c.1214A>G on transcript NM_003072.5 (MANE Select); coding-DNA position 1214, A replaced by G.
Protein change: p.Lys405Arg; replaces lysine 405 with arginine.
Molecular consequence: missense variant. On other transcripts: non-coding transcript variant (1).
Genome position (GRCh38, 1-based): chr19:10,989,412, A>G. VCF-style: chr19-10989412-A-G. GRCh37 (hg19) VCF-style: chr19-11100088-A-G.
Other names: c.1214A>G, p.Lys405Arg (NM_001128844.3, NM_001128845.2, NM_001128846.2 and 6 more transcripts); short protein forms K405R.
Identifiers: ClinVar variation 2759999 (VCV002759999.3), dbSNP rs2145849422, ClinGen allele CA404059722.
Genomic context (GRCh38, chr19:10,989,412, plus strand): 5'-TTGAAAACCTTCCCGGGTCCCTGGCCGGGGATTTGCGAACCAAAGCGACCATTGAGCTCA[A>G]GGCCCTCAGGCTGCTGAACTTCCAGAGGCAGGTGGGTGCTGGCATGGCCGCAGCTTTCCG-3'
Protein context (NP_003063.2, residues 395-415): DLRTKATIEL[Lys405Arg]ALRLLNFQRQ

ClinVar aggregate classification (germline): Uncertain significance (1 of 4 stars; one submission).

Conditions:
Rhabdoid tumor predisposition syndrome 2 (RTPS2). Identifiers: Orphanet 231108, Orphanet 69077, MedGen C2750074, MONDO:0013224, OMIM 613325.

Submission:

Labcorp Genetics (formerly Invitae), Labcorp
Classification: Uncertain significance for Rhabdoid tumor predisposition syndrome 2. Last evaluated: 2023-09-10. Review status: criteria provided, single submitter. Criteria: Invitae Variant Classification Sherloc (09022015). Collection method: clinical testing. Allele origin: germline.
Comment: In summary, the available evidence is currently insufficient to determine the role of this variant in disease. Therefore, it has been classified as a Variant of Uncertain Significance. Advanced modeling of protein sequence and biophysical properties (such as structural, functional, and spatial information, amino acid conservation, physicochemical variation, residue mobility, and thermodynamic stability) performed at Invitae indicates that this missense variant is not expected to disrupt SMARCA4 protein function. This variant has not been reported in the literature in individuals affected with SMARCA4-related conditions. This variant is not present in population databases (gnomAD no frequency). This sequence change replaces lysine, which is basic and polar, with arginine, which is basic and polar, at codon 405 of the SMARCA4 protein (p.Lys405Arg).